The following is an entry in ClinVar:

ClinVar aggregate classification (germline): Conflicting classifications of pathogenicity. Review status: criteria provided, conflicting classifications (1 of 4 stars). 3 submissions from 3 submitters: Uncertain significance (2); Likely benign (1). Last evaluated 2026-01-28.

Conditions:
Spastic paraplegia. Identifiers: MedGen C0037772, HP:0001258.
Charlevoix-Saguenay spastic ataxia (SACS). Also called: Spastic ataxia of Charlevoix-Saguenay; SPASTIC ATAXIA 6, AUTOSOMAL RECESSIVE; AUTOSOMAL RECESSIVE SPASTIC ATAXIA OF CHARLEVOIX-SAGUENAY. Identifiers: Orphanet 98, MedGen C1849140, MONDO:0010041, OMIM 270550.

Allele frequency attached by ClinVar (database versions not stated): ExAC 0.00001; gnomAD exomes 0.00001; TOPMed 0.00001; gnomAD 0.00002.

Submissions (3):

Labcorp Genetics (formerly Invitae), Labcorp
Classification: Likely benign for Spastic paraplegia. Last evaluated: 2026-01-28. Review status: criteria provided, single submitter. Criteria: Invitae Variant Classification Sherloc (09022015). Collection method: clinical testing. Allele origin: germline.

Fulgent Genetics
Classification: Uncertain significance for Charlevoix-Saguenay spastic ataxia. Last evaluated: 2022-02-22. Review status: criteria provided, single submitter. Criteria: ACMG Guidelines, 2015. Collection method: clinical testing. Allele origin: unknown.

GeneDx
Classification: Uncertain significance. Last evaluated: 2020-07-16. Review status: criteria provided, single submitter. Criteria: GeneDx Variant Classification Process June 2021. Collection method: clinical testing. Allele origin: germline. Affected: yes.
Comment: Reported in a patient in the published literature with ataxia, muscle weakness, retinal atrophy, and nystagmus who has another variant on the opposite allele (Blumkin et al., 2015; Kuperberg et al., 2016); Not observed at a significant frequency in large population cohorts (Lek et al., 2016); In silico analysis supports that this missense variant does not alter protein structure/function; This variant is associated with the following publications: (PMID: 25819952, 27572814)

NM_014363.6(SACS):c.9805G>A (p.Asp3269Asn)

Gene: SACS (sacsin molecular chaperone; minus strand). Cytogenetic location: 13q12.12.
Variant type: single nucleotide variant.
Coding change: c.9805G>A on transcript NM_014363.6 (MANE Select); coding-DNA position 9805, G replaced by A.
Protein change: p.Asp3269Asn; replaces aspartic acid 3269 with asparagine.
Molecular consequence: missense variant.
Genome position (GRCh38, 1-based): chr13:23,334,071, C>T on the plus strand (G>A on the coding strand, the complement: SACS is on the minus strand). VCF-style: chr13-23334071-C-T. GRCh37 (hg19) VCF-style: chr13-23908210-C-T.
Other names: c.9364G>A, p.Asp3122Asn (NM_001278055.2); short protein forms D3122N, D3269N.
Identifiers: ClinVar variation 1303158 (VCV001303158.7), dbSNP rs754144089, ClinGen allele CA6910561.
Genomic context (GRCh38, chr13:23,334,071, plus strand): 5'-AAACAGTAAACTTTGTTCCTGGAAGCAATGCCCAGTCTTTTAGAGTATCAACAACAATGT[C>T]AAATGTTGGTTTTGTTTCTTCCTGATCTTCTTTCACACTTACAGATTCACTAATAAAATG-3'
Protein context (NP_055178.3, residues 3259-3279): EDQEETKPTF[Asp3269Asn]IVVDTLKDWA